The following is an entry in ClinVar:

NM_000140.5(FECH):c.139A>G (p.Thr47Ala)

Gene: FECH (ferrochelatase; minus strand). Cytogenetic location: 18q21.31.
Variant type: single nucleotide variant.
Coding change: c.139A>G on transcript NM_000140.5 (MANE Select); coding-DNA position 139, A replaced by G.
Protein change: p.Thr47Ala; replaces threonine 47 with alanine.
Molecular consequence: missense variant. On other transcripts: 5 prime UTR variant (1).
Genome position (GRCh38, 1-based): chr18:57,580,128, T>C on the plus strand (A>G on the coding strand, the complement: FECH is on the minus strand). VCF-style: chr18-57580128-T-C. GRCh37 (hg19) VCF-style: chr18-55247360-T-C.
Other names: p.Thr47Ala; c.139A>G, p.Thr47Ala (NM_001012515.4, NM_001371094.1, NM_001374778.1); c.-78A>G (NM_001371095.1); c.139A>G (NM_000140.4); short protein forms T47A.
Identifiers: ClinVar variation 327436 (VCV000327436.9), dbSNP rs144831860, ClinGen allele CA8973307.

ClinVar aggregate classification (germline): Conflicting classifications of pathogenicity. Review status: criteria provided, conflicting classifications (1 of 4 stars). 3 submissions from 3 submitters: Uncertain significance (2); Likely benign (1). Last evaluated 2025-10-16.

Conditions:
FECH-related disorder. Also called: FECH-related condition.
Inborn genetic diseases. Identifiers: MedGen C0950123, MeSH D030342.

Allele frequency attached by ClinVar (database versions not stated): gnomAD exomes 0.00010; TOPMed 0.00011; gnomAD 0.00013 and 0.00014; ExAC 0.00015; ESP Exome Variant Server 0.00015.
gnomAD v4.1: 606 of 1,614,076 alleles (0.038%); highest among the groups gnomAD compares: Non-Finnish European, 0.049%; no homozygotes.

Submissions (3):

PreventionGenetics, part of Exact Sciences
Classification: Uncertain significance for FECH-related condition. Last evaluated: 2025-10-16. Review status: criteria provided, single submitter. Criteria: ACMG Guidelines, 2015. Collection method: clinical testing. Allele origin: germline.
Comment: The FECH c.139A>G variant is predicted to result in the amino acid substitution p.Thr47Ala. To our knowledge, this variant has not been reported in the literature. This variant is reported in 0.022% of alleles in individuals of European (Non-Finnish) descent in gnomAD. At this time, the clinical significance of this variant is uncertain due to the absence of conclusive functional and genetic evidence.

Mayo Clinic Laboratories, Mayo Clinic
Classification: Uncertain significance. Last evaluated: 2024-03-06. Review status: criteria provided, single submitter. Criteria: ACMG Guidelines, 2015. Collection method: clinical testing. Allele origin: germline. Observed: 1 variant allele.
Comment: BP4

Ambry Genetics
Classification: Likely benign for Inborn genetic diseases. Last evaluated: 2021-09-01. Review status: criteria provided, single submitter. Criteria: Ambry Variant Classification Scheme 2023. Collection method: clinical testing. Allele origin: germline.